The following is an entry in ClinVar:

ClinVar aggregate classification (germline): Uncertain significance. Review status: criteria provided, multiple submitters, no conflicts (2 of 4 stars). 2 submissions from 2 submitters: Uncertain significance (2). Last evaluated 2023-07-12.

Conditions:
Hereditary cancer-predisposing syndrome. Also called: Hereditary neoplastic syndrome; Tumor predisposition; Hereditary Cancer Syndrome; Neoplastic Syndromes, Hereditary. Identifiers: Orphanet 140162, MedGen C0027672, MeSH D009386, MONDO:0015356.
Gastrointestinal stromal tumor. Also called: Gastrointestinal stroma tumor; Gastrointestinal stromal tumor, somatic. Identifiers: Orphanet 44890, MedGen C0238198, MeSH D046152, MONDO:0011719, OMIM 606764, HP:0100723.
Pheochromocytoma/paraganglioma syndrome 4. Also called: CAROTID BODY TUMORS AND MULTIPLE EXTRAADRENAL PHEOCHROMOCYTOMAS; SDHB-Related Hereditary Paraganglioma-Pheochromocytoma Syndrome; PARAGANGLIOMA, FAMILIAL MALIGNANT; PARAGANGLIOMAS, HEREDITARY EXTRAADRENAL; PHEOCHROMOCYTOMA, FAMILIAL EXTRAADRENAL; Paragangliomas 4. Identifiers: Orphanet 29072, MedGen C1861848, MONDO:0007273, OMIM 115310.
Pheochromocytoma. Also called: MAX-Related Hereditary Paraganglioma-Pheochromocytoma Syndrome. Identifiers: Orphanet 29072, MedGen C0031511, MONDO:0008233, OMIM 171300, HP:0002666.

Submissions (2):

Ambry Genetics
Classification: Uncertain significance for Hereditary cancer-predisposing syndrome. Last evaluated: 2023-07-12. Review status: criteria provided, single submitter. Criteria: Ambry Variant Classification Scheme 2023. Collection method: clinical testing. Allele origin: germline.
Comment: The c.835_836delTCinsCT variant, located in coding exon 8 of the SDHB gene, results from an in-frame deletion of TC and insertion of CT at nucleotide positions 835 to 836. This results in the substitution of the serine residue for a leucine residue at codon 279, an amino acid with dissimilar properties. In addition, this alteration is predicted to be neutral by in silico analysis (Choi Y et al. PLoS ONE. 2012; 7(10):e46688). This amino acid position is not well conserved in available vertebrate species. Since supporting evidence is limited at this time, the clinical significance of this alteration remains unclear.

Labcorp Genetics (formerly Invitae), Labcorp
Classification: Uncertain significance for Gastrointestinal stromal tumor; Pheochromocytoma/paraganglioma syndrome 4; Pheochromocytoma. Last evaluated: 2021-06-05. Review status: criteria provided, single submitter. Criteria: Invitae Variant Classification Sherloc (09022015). Collection method: clinical testing. Allele origin: germline.
Comment: This sequence change replaces serine with leucine at codon 279 of the SDHB protein (p.Ser279Leu). The serine residue is weakly conserved and there is a large physicochemical difference between serine and leucine. This variant has not been reported in the literature in individuals with SDHB-related conditions. The frequency data for this variant in the population databases is not available, as this variant may be reported as separate entries in the ExAC database. In summary, the available evidence is currently insufficient to determine the role of this variant in disease. Therefore, it has been classified as a Variant of Uncertain Significance. Algorithms developed to predict the effect of missense changes on protein structure and function are either unavailable or do not agree on the potential impact of this missense change (SIFT: "Not Available"; PolyPhen-2: "Benign"; Align-GVGD: "Not Available").

NM_003000.3(SDHB):c.835_836delinsCT (p.Ser279Leu)

Gene: SDHB (succinate dehydrogenase complex iron sulfur subunit B; minus strand). Cytogenetic location: 1p36.13.
Variant type: Indel.
Coding change: c.835_836delinsCT on transcript NM_003000.3 (MANE Select); coding-DNA positions 835 to 836, TC replaced by CT.
Protein change: p.Ser279Leu; replaces serine 279 with leucine.
Molecular consequence: missense variant.
Genome position (GRCh38, 1-based): chr1:17,018,888-17,018,889, GA replaced by AG on the plus strand (TC replaced by CT on the coding strand, the reverse complement: SDHB is on the minus strand). VCF-style: chr1-17018888-GA-AG. GRCh37 (hg19) VCF-style: chr1-17345383-GA-AG.
Other names: c.835_836delTCinsCT (NM_003000.2); short protein forms S279L.
Identifiers: ClinVar variation 1475264 (VCV001475264.8), dbSNP rs2101508075, ClinGen allele CA2573130746.
Genomic context (GRCh38, chr1:17,018,888, plus strand): 5'-TAAATTATGTTCAGCTCTGAGCTGGTTATAAATCATGTTTAGCATGGAAACAGTTAAACT[GA>AG]AGCTTTCTTCTCCTTATAGGTTGCCATCATTTTCTTGATCTCTGCAATAGCTTTCCCTGG-3'
Protein context (NP_002991.2, residues 269-280): MMATYKEKKA[Ser279Leu]V